The following is an entry in ClinVar:

NM_002242.4(KCNJ13):c.70G>T (p.Asp24Tyr)

Genes: GIGYF2 (GRB10 interacting GYF protein 2; plus strand), KCNJ13 (potassium inwardly rectifying channel subfamily J member 13; minus strand). Cytogenetic location: 2q37.1.
Variant type: single nucleotide variant.
Coding change: c.70G>T on transcript NM_002242.4 (MANE Select); coding-DNA position 70, G replaced by T.
Protein change: p.Asp24Tyr; replaces aspartic acid 24 with tyrosine.
Molecular consequence: missense variant. On other transcripts: intron variant (5).
Genome position (GRCh38, 1-based): chr2:232,771,293, C>A on the plus strand (G>T on the coding strand, the complement: KCNJ13 is on the minus strand). VCF-style: chr2-232771293-C-A. GRCh37 (hg19) VCF-style: chr2-233636003-C-A.
Other names: c.70G>T, p.Asp24Tyr (NM_001172416.1); c.532+9857C>A (NM_001103146.3, NM_015575.4, NM_001103148.2); c.533-5119C>A (NM_001103147.2); c.-23-148G>T (NM_001172417.1); short protein forms D24Y.
Identifiers: ClinVar variation 3015108 (VCV003015108.3), dbSNP rs760202322, ClinGen allele CA2170090.

ClinVar aggregate classification (germline): Uncertain significance (1 of 4 stars; one submission).

Allele frequency attached by ClinVar (database versions not stated): gnomAD exomes 0.00001; ExAC 0.00002.
gnomAD v4.1: 10 of 1,609,914 alleles (0.00062%); highest among the groups gnomAD compares: South Asian, 0.0011%; no homozygotes.

Submission:

Labcorp Genetics (formerly Invitae), Labcorp
Classification: Uncertain significance. Last evaluated: 2022-11-15. Review status: criteria provided, single submitter. Criteria: Invitae Variant Classification Sherloc (09022015). Collection method: clinical testing. Allele origin: germline.
Comment: This variant has not been reported in the literature in individuals affected with KCNJ13-related conditions. The frequency data for this variant in the population databases is considered unreliable, as metrics indicate poor data quality at this position in the gnomAD database. This sequence change replaces aspartic acid, which is acidic and polar, with tyrosine, which is neutral and polar, at codon 24 of the KCNJ13 protein (p.Asp24Tyr). In summary, the available evidence is currently insufficient to determine the role of this variant in disease. Therefore, it has been classified as a Variant of Uncertain Significance. Algorithms developed to predict the effect of missense changes on protein structure and function (SIFT, PolyPhen-2, Align-GVGD) all suggest that this variant is likely to be disruptive.